The following is an entry in ClinVar:

ClinVar aggregate classification (germline): Uncertain significance (1 of 4 stars; one submission).

Submission:

GeneDx
Classification: Uncertain significance. Last evaluated: 2024-02-13. Review status: criteria provided, single submitter. Criteria: GeneDx Variant Classification Process June 2021. Collection method: clinical testing. Allele origin: germline. Affected: yes.
Comment: Not observed at significant frequency in large population cohorts (gnomAD); In silico analysis supports that this missense variant has a deleterious effect on protein structure/function; Has not been previously published as pathogenic or benign to our knowledge

NM_001394062.1(MACF1):c.19156A>G (p.Lys6386Glu)

Gene: MACF1 (microtubule actin crosslinking factor 1; plus strand). Cytogenetic location: 1p34.3.
Variant type: single nucleotide variant.
Coding change: c.19156A>G on transcript NM_001394062.1 (MANE Select); coding-DNA position 19156, A replaced by G.
Protein change: p.Lys6386Glu; replaces lysine 6386 with glutamic acid.
Molecular consequence: missense variant.
Genome position (GRCh38, 1-based): chr1:39,442,765, A>G. VCF-style: chr1-39442765-A-G. GRCh37 (hg19) VCF-style: chr1-39908437-A-G.
Other names: c.7234A>G, p.Lys2412Glu (NM_001397473.1); c.12979A>G, p.Lys4327Glu (NM_012090.5); short protein forms K2412E, K4327E, K6386E.
Identifiers: ClinVar variation 3369234 (VCV003369234.1).